The following is an entry in ClinVar:

ClinVar aggregate classification (germline): Likely pathogenic. Review status: criteria provided, multiple submitters, no conflicts (2 of 4 stars). 2 submissions from 2 submitters: Likely pathogenic (2). Last evaluated 2025-10-07.

Conditions:
Mitochondrial complex I deficiency, nuclear type 16. Also called: Mitochondrial complex 1 deficiency, nuclear type 16. Identifiers: MedGen C4748785, MONDO:0032621, OMIM 618238.
Mitochondrial complex I deficiency. Also called: NADH:Q(1) OXIDOREDUCTASE DEFICIENCY. Identifiers: Orphanet 2609, MedGen C1838979, MeSH C537475, MONDO:0100133.

Submissions (2):

Natera, Inc.
Classification: Likely pathogenic for Mitochondrial complex I deficiency. Last evaluated: 2025-10-07. Review status: criteria provided, single submitter. Criteria: Natera Variant Classification Schema (03/2026). Collection method: clinical testing. Allele origin: germline.
Comment: The c.945+1G>A variant in NDUFAF5 is a canonical splice donor site variant predicted to affect pre-mRNA splicing, which may result in an abnormal transcript and altered protein product. This variant is expected to result in nonsense mediated decay, truncation, or a dysfunctional protein product. This variant is rare in the general population with a frequency below the threshold expected for the associated phenotype(s). Given the available evidence, this variant is classified as Likely Pathogenic.

Baylor Genetics
Classification: Likely pathogenic for Mitochondrial complex I deficiency, nuclear type 16. Last evaluated: 2022-08-10. Review status: criteria provided, single submitter. Criteria: ACMG Guidelines, 2015. Collection method: clinical testing. Allele origin: unknown.

NM_024120.5(NDUFAF5):c.945+1G>A

Gene: NDUFAF5 (NADH:ubiquinone oxidoreductase complex assembly factor 5; plus strand). Cytogenetic location: 20p12.1.
Variant type: single nucleotide variant.
Coding change: c.945+1G>A on transcript NM_024120.5 (MANE Select); the canonical splice donor site of the intron after coding-DNA position 945, G replaced by A.
Molecular consequence: splice donor variant.
Genome position (GRCh38, 1-based): chr20:13,816,958, G>A. VCF-style: chr20-13816958-G-A. GRCh37 (hg19) VCF-style: chr20-13797604-G-A.
Other names: c.945+1G>A (NM_024120.4); c.384+1G>A (NM_001352407.2, NM_001352406.2); c.861+1G>A (NM_001039375.3); c.474+1G>A (NM_001352403.2).
Identifiers: ClinVar variation 2676987 (VCV002676987.2), dbSNP rs2516274344, ClinGen allele CA408274799.